The following is an entry in ClinVar:

ClinVar aggregate classification (germline): Likely benign. Review status: criteria provided, multiple submitters, no conflicts (2 of 4 stars). 3 submissions from 3 submitters: Likely benign (2). 1 of the submissions does not count toward it. Last evaluated 2025-06-20.

Conditions:
Baraitser-Winter syndrome 1 (BRWS1). Also called: BARAITSER-WINTER SYNDROME 1, ATYPICAL; PACHYGYRIA, MENTAL RETARDATION, EPILEPSY, AND CHARACTERISTIC FACIES; MENTAL RETARDATION WITH EPILEPSY AND CHARACTERISTIC FACIES; Cerebrofrontofacial syndrome. Identifiers: Orphanet 2649, Orphanet 2995, MedGen C1855722, MONDO:0009470, OMIM 243310.
ACTB-related disorder. Also called: ACTB-related condition; ACTB-related disorders.

gnomAD v4.1: 2 of 1,611,276 alleles (0.00012%); highest among the groups gnomAD compares: Admixed American, 0.0017%; no homozygotes.

Submissions (3):

Labcorp Genetics (formerly Invitae), Labcorp
Classification: Likely benign for Baraitser-Winter syndrome 1. Last evaluated: 2025-06-20. Review status: criteria provided, single submitter. Criteria: Invitae Variant Classification Sherloc (09022015). Collection method: clinical testing. Allele origin: germline.

Blueprint Genetics
Classification: Likely benign. Last evaluated: 2023-10-20. Review status: criteria provided, single submitter. Criteria: ACMG Guidelines, 2015. Collection method: clinical testing. Allele origin: germline.

PreventionGenetics, part of Exact Sciences
Classification: Likely benign for ACTB-related condition. Last evaluated: 2023-06-01. Review status: no assertion criteria provided. Collection method: clinical testing. Allele origin: germline. Not counted in ClinVar's aggregate classification.
Comment: This variant is classified as likely benign based on ACMG/AMP sequence variant interpretation guidelines (Richards et al. 2015 PMID: 25741868, with internal and published modifications).

NM_001101.5(ACTB):c.30C>T (p.Val10=)

Gene: ACTB (actin beta; minus strand). Cytogenetic location: 7p22.1.
Variant type: single nucleotide variant.
Coding change: c.30C>T on transcript NM_001101.5 (MANE Select); coding-DNA position 30, C replaced by T.
Protein change: p.Val10=; no amino-acid change (valine 10 retained).
Molecular consequence: synonymous variant.
Genome position (GRCh38, 1-based): chr7:5,529,628, G>A on the plus strand (C>T on the coding strand, the complement: ACTB is on the minus strand). VCF-style: chr7-5529628-G-A. GRCh37 (hg19) VCF-style: chr7-5569259-G-A.
Identifiers: ClinVar variation 2193778 (VCV002193778.7), dbSNP rs768066226, ClinGen allele CA4147211.